The following is an entry in ClinVar:

NM_022437.3(ABCG8):c.1894_1895inv (p.Val632Thr)

Gene: ABCG8 (ATP binding cassette subfamily G member 8; plus strand). Cytogenetic location: 2p21.
Variant type: Inversion.
Coding change: c.1894_1895inv on transcript NM_022437.3 (MANE Select).
Protein change: p.Val632Thr; replaces valine 632 with threonine.
Molecular consequence: missense variant.
Genome position: GRCh38 VCF-style: chr2-43877785-GT-AC. GRCh37 (hg19) VCF-style: chr2-44104924-GT-AC.
Other names: c.1891_1892inv, p.Val631Thr (NM_001357321.2); c.1894_1895delinsAC (NM_022437.2); short protein forms V631T, V632T.
Identifiers: ClinVar variation 597093 (VCV000597093.10), ClinGen allele CA913189456.

ClinVar aggregate classification (germline): Uncertain significance. Review status: criteria provided, multiple submitters, no conflicts (2 of 4 stars). 4 submissions from 4 submitters: Uncertain significance (4). Last evaluated 2026-09-08.

Conditions:
Sitosterolemia 1. Identifiers: MedGen C2749759, MONDO:0020747, OMIM 210250.
ABCG8-related disorder. Also called: ABCG8-related condition.

Submissions (4):

PreventionGenetics, part of Exact Sciences
Classification: Uncertain significance for ABCG8-related condition. Last evaluated: 2026-09-08. Review status: criteria provided, single submitter. Criteria: ACMG Guidelines, 2015. Collection method: clinical testing. Allele origin: germline.
Comment: The ABCG8 c.1894_1895delinsAC variant is predicted to result in an in-frame deletion and insertion. To our knowledge, this variant has not been reported in the literature. In the gnomAD public population database, the c.1894_1895delinsAC variant is reported as two single nucleotide variants (c.1894G>A and c.1895T>C), but the variants are reported to occur in cis (on the same allele) in 22 heterozygous individuals. At this time, the clinical significance of this variant is uncertain due to the absence of conclusive functional and genetic evidence.

Revvity Omics, Revvity
Classification: Uncertain significance for Sitosterolemia 1. Last evaluated: 2024-12-13. Review status: criteria provided, single submitter. Criteria: ACMG Guidelines, 2015. Collection method: clinical testing. Allele origin: germline.

Labcorp Genetics (formerly Invitae), Labcorp
Classification: Uncertain significance. Last evaluated: 2022-07-04. Review status: criteria provided, single submitter. Criteria: Invitae Variant Classification Sherloc (09022015). Collection method: clinical testing. Allele origin: germline.
Comment: This sequence change replaces valine, which is neutral and non-polar, with threonine, which is neutral and polar, at codon 632 of the ABCG8 protein (p.Val632Thr). This variant is present in population databases (no rsID available, gnomAD 0.8%). This variant has not been reported in the literature in individuals affected with ABCG8-related conditions. ClinVar contains an entry for this variant (Variation ID: 597093). Algorithms developed to predict the effect of missense changes on protein structure and function are either unavailable or do not agree on the potential impact of this missense change (SIFT: "Not Available"; PolyPhen-2: "Benign"; Align-GVGD: "Not Available"). In summary, the available evidence is currently insufficient to determine the role of this variant in disease. Therefore, it has been classified as a Variant of Uncertain Significance.

Eurofins Ntd Llc (ga)
Classification: Uncertain significance. Last evaluated: 2018-05-14. Review status: criteria provided, single submitter. Criteria: EGL ClinVar v180209 classification definitions. Collection method: clinical testing. Allele origin: germline. Observed: 1 variant allele, 1 heterozygote.